The following is an entry in ClinVar:

NM_001127222.2(CACNA1A):c.6155dup (p.Thr2053fs)

Gene: CACNA1A (calcium voltage-gated channel subunit alpha1 A; minus strand). Cytogenetic location: 19p13.13.
Variant type: Duplication.
Coding change: c.6155dup on transcript NM_001127222.2 (MANE Select); coding-DNA position 6155, one base duplicated (C; older notation c.6155dupC).
Protein change: p.Thr2053fs; shifts the reading frame from threonine 2053.
Molecular consequence: frameshift variant.
Genome position (GRCh38, 1-based): chr19:13,212,418, G duplicated on the plus strand (C on the coding strand, the reverse complement: CACNA1A is on the minus strand); the first of 6 consecutive G bases (chr19:13,212,418-13,212,423); duplicating any one gives the same sequence. VCF-style (leftmost placement, unchanged base first): chr19-13212417-A-AG. GRCh37 (hg19) VCF-style: chr19-13323231-A-AG.
Other names: c.6158dupC (NM_001127221.1); c.6173dup, p.Thr2059fs (NM_000068.4, NM_023035.3); c.6158dup, p.Thr2054fs (NM_001127221.2); c.6164dup, p.Thr2056fs (NM_001174080.2); short protein forms T2056fs, T2053fs, T2054fs, T2059fs.
Identifiers: ClinVar variation 504277 (VCV000504277.6), dbSNP rs1158454977, ClinGen allele CA632122977.
Genomic context (GRCh38, chr19:13,212,417, plus strand): 5'-CATTGGGGAGTTGGGGGACAGAGGCACCTGAGAGTTAGGCTGGCTGTTGGGCATGTCGGT[A>AG]GGGGGGCCTTGTTCCGGACTCCATGTGCCCGTCTTCTGGAACATCTCCTGGGCACGCTGG-3'

ClinVar aggregate classification (germline): Pathogenic. Review status: criteria provided, multiple submitters, no conflicts (2 of 4 stars). 2 submissions from 2 submitters: Pathogenic (2). Last evaluated 2023-10-28.

Conditions:
Developmental and epileptic encephalopathy, 42 (DEE42A). Also called: Epileptic encephalopathy, early infantile, 42; DEVELOPMENTAL AND EPILEPTIC ENCEPHALOPATHY 42A; EPILEPTIC ENCEPHALOPATHY, EARLY INFANTILE, 42A. Identifiers: MedGen C4310716, MONDO:0014917, OMIM 617106.
Episodic ataxia type 2 (EA2). Also called: ATAXIA, EPISODIC, WITH NYSTAGMUS; ATAXIA, FAMILIAL PAROXYSMAL; CEREBELLAR ATAXIA, PAROXYSMAL, ACETAZOLAMIDE-RESPONSIVE; CEREBELLOPATHY, HEREDITARY PAROXYSMAL; EPISODIC ATAXIA, NYSTAGMUS-ASSOCIATED; ACETAZOLAMIDE-RESPONSIVE HEREDITARY PAROXYSMAL CEREBELLAR ATAXIA. Identifiers: Orphanet 97, MedGen C1720416, MONDO:0007163, OMIM 108500.

Submissions (2):

Labcorp Genetics (formerly Invitae), Labcorp
Classification: Pathogenic for Developmental and epileptic encephalopathy, 42; Episodic ataxia type 2. Last evaluated: 2023-10-28. Review status: criteria provided, single submitter. Criteria: Invitae Variant Classification Sherloc (09022015). Collection method: clinical testing. Allele origin: germline.
Comment: This sequence change creates a premature translational stop signal (p.Thr2054Tyrfs*9) in the CACNA1A gene. It is expected to result in an absent or disrupted protein product. Loss-of-function variants in CACNA1A are known to be pathogenic (PMID: 10371528, 19486177, 25735478, 27250579). This variant is not present in population databases (gnomAD no frequency). This variant has not been reported in the literature in individuals affected with CACNA1A-related conditions. ClinVar contains an entry for this variant (Variation ID: 504277). For these reasons, this variant has been classified as Pathogenic.

GeneDx
Classification: Pathogenic. Last evaluated: 2020-01-02. Review status: criteria provided, single submitter. Criteria: GeneDx Variant Classification Process June 2021. Collection method: clinical testing. Allele origin: germline. Affected: yes.
Comment: Frameshift variant predicted to result in protein truncation or nonsense mediated decay in a gene for which loss-of-function is a known mechanism of disease; Not observed in large population cohorts (Lek et al., 2016); Has not been previously published as pathogenic or benign to our knowledge

Literature cited by the submitters: PubMed 10371528 (cited by Labcorp Genetics (formerly Invitae), Labcorp); PubMed 19486177 (cited by Labcorp Genetics (formerly Invitae), Labcorp); PubMed 25735478 (cited by Labcorp Genetics (formerly Invitae), Labcorp); PubMed 27250579 (cited by Labcorp Genetics (formerly Invitae), Labcorp).